The following is an entry in ClinVar:

ClinVar aggregate classification (germline): Benign. Review status: criteria provided, multiple submitters, no conflicts (2 of 4 stars). 4 submissions from 3 submitters: Benign (4). Last evaluated 2018-06-23.

Conditions:
Fibromatosis, gingival, 1 (GINGF1). Identifiers: Orphanet 2024, MedGen C4551558, MONDO:0007609, OMIM 135300.
Noonan syndrome 4 (NS4). Also called: SOS1-Related Noonan Syndrome; NOONAN SYNDROME WITH PIGMENTED VILLONODULAR SYNOVITIS. Identifiers: Orphanet 648, MedGen C1853120, MONDO:0012547, OMIM 610733.

Submissions (4):

GeneDx
Classification: Benign. Last evaluated: 2018-06-23. Review status: criteria provided, single submitter. Criteria: GeneDx Variant Classification Process June 2021. Collection method: clinical testing. Allele origin: germline. Affected: yes.

Genome-Nilou Lab
Classification: Benign for Noonan syndrome 4. Review status: criteria provided, single submitter. Criteria: ACMG Guidelines, 2015. Collection method: clinical testing. Allele origin: germline.

Genome-Nilou Lab
Classification: Benign for Fibromatosis, gingival, 1. Review status: criteria provided, single submitter. Criteria: ACMG Guidelines, 2015. Collection method: clinical testing. Allele origin: germline.

PreventionGenetics, part of Exact Sciences
Classification: Benign. Review status: criteria provided, single submitter. Criteria: ACMG Guidelines, 2015. Collection method: clinical testing. Allele origin: germline.

NM_005633.4(SOS1):c.2792-50dup

Gene: SOS1 (SOS Ras/Rac guanine nucleotide exchange factor 1; minus strand). Cytogenetic location: 2p22.1.
Variant type: Duplication.
Coding change: c.2792-50dup on transcript NM_005633.4 (MANE Select); 50 bases into the intron before coding-DNA position 2792, one base duplicated (A; older notation c.2792-50dupA).
Molecular consequence: intron variant.
Genome position (GRCh38, 1-based): chr2:38,997,475, T duplicated on the plus strand (A on the coding strand, the reverse complement: SOS1 is on the minus strand); the first of 7 consecutive T bases (chr2:38,997,475-38,997,481); duplicating any one gives the same sequence. VCF-style (leftmost placement, unchanged base first): chr2-38997474-G-GT. GRCh37 (hg19) VCF-style: chr2-39224615-G-GT.
Other names: c.2771-50dup (NM_001382394.1); c.2792-50dup (NM_001382395.1); c.2792-50dupA (NM_005633.3).
Identifiers: ClinVar variation 259847 (VCV000259847.8), dbSNP rs869215095, ClinGen allele CA1624326.